The following is an entry in ClinVar:

ClinVar aggregate classification (germline): Pathogenic (1 of 4 stars; one submission).

Conditions:
Cerebral cavernous malformation 3. Also called: Familial Cerebral Cavernous Malformation 3. Identifiers: Orphanet 221061, MedGen C1864040, MONDO:0011305, OMIM 603285.

Submission:

Labcorp Genetics (formerly Invitae), Labcorp
Classification: Pathogenic for Cerebral cavernous malformation 3. Last evaluated: 2021-05-05. Review status: criteria provided, single submitter. Criteria: Invitae Variant Classification Sherloc (09022015). Collection method: clinical testing. Allele origin: germline.
Comment: This variant is not present in population databases (ExAC no frequency). For these reasons, this variant has been classified as Pathogenic. This variant has not been reported in the literature in individuals with PDCD10-related conditions. This sequence change creates a premature translational stop signal (p.Val148Leufs*13) in the PDCD10 gene. It is expected to result in an absent or disrupted protein product. Loss-of-function variants in PDCD10 are known to be pathogenic (PMID: 15543491, 18300272, 23801932).

Literature cited by the submitters: PubMed 15543491; PubMed 18300272; PubMed 23801932.

NM_007217.4(PDCD10):c.442_443del (p.Val148fs)

Gene: PDCD10 (programmed cell death 10; minus strand). Cytogenetic location: 3q26.1.
Variant type: Deletion.
Coding change: c.442_443del on transcript NM_007217.4 (MANE Select); coding-DNA positions 442 to 443, 2 bases deleted (GT; older notation c.442_443delGT).
Protein change: p.Val148fs; shifts the reading frame from valine 148.
Molecular consequence: frameshift variant.
Genome position (GRCh38, 1-based): chr3:167,687,646-167,687,647, AC deleted on the plus strand (GT on the coding strand, the reverse complement: PDCD10 is on the minus strand); deleting any 2 consecutive bases within chr3:167,687,646-167,687,648 gives the same sequence; the c. name uses the placement nearest the transcript's 3' end. VCF-style (leftmost placement, unchanged base first): chr3-167687645-GAC-G. GRCh37 (hg19) VCF-style: chr3-167405433-GAC-G.
Other names: c.442_443del, p.Val148fs (NM_145859.2, NM_145860.2); short protein forms V148fs.
Identifiers: ClinVar variation 1365315 (VCV001365315.6), dbSNP rs2108375192, ClinGen allele CA2573136804.
Genomic context (GRCh38, chr3:167,687,645, plus strand): 5'-GTCAACTAGCAAGGCTTCTACTAAACGTACCCTGCGGTTCTGGTATTGATATTTCTTGAA[GAC>G]ATTATTCACTGTATCAAGAAGTTCTTTTATTGCACTAGCTATATCCCTGTTGGGAAAAGA-3'